The following is an entry in ClinVar:

ClinVar aggregate classification (germline): Likely benign. Review status: criteria provided, multiple submitters, no conflicts (2 of 4 stars). 2 submissions from 2 submitters: Likely benign (2). Last evaluated 2025-09-24.

Conditions:
Rubinstein-Taybi syndrome due to EP300 haploinsufficiency. Also called: EP300-Related Rubinstein-Taybi Syndrome; RUBINSTEIN-TAYBI SYNDROME 2. Identifiers: Orphanet 353284, Orphanet 783, MedGen C3150941, MONDO:0013364, OMIM 613684.

gnomAD v4.1: 7 of 1,614,076 alleles (0.00043%); highest among the groups gnomAD compares: Non-Finnish European, 0.00059%; no homozygotes.

Submissions (2):

Labcorp Genetics (formerly Invitae), Labcorp
Classification: Likely benign for Rubinstein-Taybi syndrome due to EP300 haploinsufficiency. Last evaluated: 2025-09-24. Review status: criteria provided, single submitter. Criteria: Invitae Variant Classification Sherloc (09022015). Collection method: clinical testing. Allele origin: germline.

Women's Health and Genetics/Laboratory Corporation of America, LabCorp
Classification: Likely benign. Last evaluated: 2024-11-27. Review status: criteria provided, single submitter. Criteria: LabCorp Variant Classification Summary - May 2015. Collection method: clinical testing. Allele origin: germline.
Comment: Variant summary: EP300 c.4668C>A alters a non-conserved nucleotide resulting in a synonymous change. Consensus agreement among computation tools predict no significant impact on normal splicing. However, these predictions have yet to be confirmed by functional studies. The variant was absent in 251428 control chromosomes. The available data on variant occurrences in the general population are insufficient to allow any conclusion about variant significance. To our knowledge, no occurrence of c.4668C>A in individuals affected with Rubinstein-Taybi Syndrome 2 and no experimental evidence demonstrating its impact on protein function have been reported. No submitters have cited clinical-significance assessments for this variant to ClinVar. Based on the evidence outlined above, the variant was classified as likely benign.

NM_001429.4(EP300):c.4668C>A (p.Thr1556=)

Gene: EP300 (EP300 lysine acetyltransferase; plus strand). Cytogenetic location: 22q13.2.
Variant type: single nucleotide variant.
Coding change: c.4668C>A on transcript NM_001429.4 (MANE Select); coding-DNA position 4668, C replaced by A.
Protein change: p.Thr1556=; no amino-acid change (threonine 1556 retained).
Molecular consequence: synonymous variant.
Genome position (GRCh38, 1-based): chr22:41,173,673, C>A. VCF-style: chr22-41173673-C-A. GRCh37 (hg19) VCF-style: chr22-41569677-C-A.
Other names: c.4590C>A, p.Thr1530= (NM_001362843.2).
Identifiers: ClinVar variation 3629521 (VCV003629521.3).
Genomic context (GRCh38, chr22:41,173,673, plus strand): 5'-TACTCTGCAGGTGACCAAGGGAGACAGCAAAAATGCTAAAAAGAAGAATAATAAGAAAAC[C>A]AGCAAAAATAAGAGCAGCCTGAGTAGGGGCAACAAGAAGAAACCCGGGATGCCCAATGTA-3'
Protein context (NP_001420.2, residues 1546-1566): KNAKKKNNKK[Thr1556=]SKNKSSLSRG